The following is an entry in ClinVar:

NM_000264.5(PTCH1):c.4084C>T (p.Pro1362Ser)

Gene: PTCH1 (patched 1; minus strand). Cytogenetic location: 9q22.32.
Variant type: single nucleotide variant.
Coding change: c.4084C>T on transcript NM_000264.5 (MANE Select); coding-DNA position 4084, C replaced by T.
Protein change: p.Pro1362Ser; replaces proline 1362 with serine.
Molecular consequence: missense variant. On other transcripts: non-coding transcript variant (1).
Genome position (GRCh38, 1-based): chr9:95,447,172, G>A on the plus strand (C>T on the coding strand, the complement: PTCH1 is on the minus strand). VCF-style: chr9-95447172-G-A. GRCh37 (hg19) VCF-style: chr9-98209454-G-A.
Other names: p.Pro1362Ser; c.3886C>T, p.Pro1296Ser (NM_001083602.3); c.4081C>T, p.Pro1361Ser (NM_001083603.3); c.3631C>T, p.Pro1211Ser (NM_001083604.3, NM_001083605.3, NM_001083606.3 and 1 more transcripts); c.3928C>T, p.Pro1310Ser (NM_001354918.2); short protein forms P1211S, P1310S, P1296S, P1361S, P1362S.
Identifiers: ClinVar variation 972172 (VCV000972172.14), dbSNP rs1838001528, ClinGen allele CA374110349.

ClinVar aggregate classification (germline): Uncertain significance. Review status: criteria provided, multiple submitters, no conflicts (2 of 4 stars). 3 submissions from 3 submitters: Uncertain significance (3). Last evaluated 2025-03-11.

Conditions:
Hereditary cancer-predisposing syndrome. Also called: Tumor predisposition; Hereditary Cancer Syndrome; Neoplastic Syndromes, Hereditary; Hereditary neoplastic syndrome. Identifiers: Orphanet 140162, MedGen C0027672, MeSH D009386, MONDO:0015356.
Gorlin syndrome. Also called: Basal cell nevus syndrome; Nevoid Basal Cell Carcinoma Syndrome. Identifiers: Orphanet 377, MedGen C0004779, MONDO:0007187.

Allele frequency attached by ClinVar (database versions not stated): TOPMed below 0.00001.

Submissions (3):

Mayo Clinic Laboratories, Mayo Clinic
Classification: Uncertain significance. Last evaluated: 2025-03-11. Review status: criteria provided, single submitter. Criteria: ACMG Guidelines, 2015. Collection method: clinical testing. Allele origin: germline. Observed: 1 variant allele.
Comment: BP4, PM2_supporting

Labcorp Genetics (formerly Invitae), Labcorp
Classification: Uncertain significance for Gorlin syndrome. Last evaluated: 2024-12-18. Review status: criteria provided, single submitter. Criteria: Invitae Variant Classification Sherloc (09022015). Collection method: clinical testing. Allele origin: germline.
Comment: This sequence change replaces proline, which is neutral and non-polar, with serine, which is neutral and polar, at codon 1362 of the PTCH1 protein (p.Pro1362Ser). This variant is not present in population databases (gnomAD no frequency). This variant has not been reported in the literature in individuals affected with PTCH1-related conditions. ClinVar contains an entry for this variant (Variation ID: 972172). Invitae Evidence Modeling of protein sequence and biophysical properties (such as structural, functional, and spatial information, amino acid conservation, physicochemical variation, residue mobility, and thermodynamic stability) indicates that this missense variant is not expected to disrupt PTCH1 protein function with a negative predictive value of 95%. In summary, the available evidence is currently insufficient to determine the role of this variant in disease. Therefore, it has been classified as a Variant of Uncertain Significance.

Ambry Genetics
Classification: Uncertain significance for Hereditary cancer-predisposing syndrome. Last evaluated: 2024-12-04. Review status: criteria provided, single submitter. Criteria: Ambry Variant Classification Scheme 2023. Collection method: clinical testing. Allele origin: germline.
Comment: The p.P1362S variant (also known as c.4084C>T), located in coding exon 23 of the PTCH1 gene, results from a C to T substitution at nucleotide position 4084. The proline at codon 1362 is replaced by serine, an amino acid with similar properties. This amino acid position is not well conserved in available vertebrate species. In addition, this alteration is predicted to be tolerated by in silico analysis. Based on the available evidence, the clinical significance of this variant remains unclear.